The following is an entry in ClinVar:

ClinVar aggregate classification (germline): Uncertain significance (1 of 4 stars; one submission).

Submission:

Labcorp Genetics (formerly Invitae), Labcorp
Classification: Uncertain significance. Last evaluated: 2025-10-24. Review status: criteria provided, single submitter. Criteria: Invitae Variant Classification Sherloc (09022015). Collection method: clinical testing. Allele origin: germline.
Comment: This sequence change replaces histidine, which is basic and polar, with glutamine, which is neutral and polar, at codon 1682 of the POLE protein (p.His1682Gln). This variant is not present in population databases (gnomAD no frequency). This variant has not been reported in the literature in individuals affected with POLE-related conditions. ClinVar contains an entry for this variant (Variation ID: 1047364). Invitae Evidence Modeling of protein sequence and biophysical properties (such as structural, functional, and spatial information, amino acid conservation, physicochemical variation, residue mobility, and thermodynamic stability) indicates that this missense variant is not expected to disrupt POLE protein function with a negative predictive value of 80%. In summary, the available evidence is currently insufficient to determine the role of this variant in disease. Therefore, it has been classified as a Variant of Uncertain Significance.

NM_006231.4(POLE):c.5046C>G (p.His1682Gln)

Gene: POLE (DNA polymerase epsilon, catalytic subunit; minus strand). Cytogenetic location: 12q24.33.
Variant type: single nucleotide variant.
Coding change: c.5046C>G on transcript NM_006231.4 (MANE Select); coding-DNA position 5046, C replaced by G.
Protein change: p.His1682Gln; replaces histidine 1682 with glutamine.
Molecular consequence: missense variant.
Genome position (GRCh38, 1-based): chr12:132,642,304, G>C on the plus strand (C>G on the coding strand, the complement: POLE is on the minus strand). VCF-style: chr12-132642304-G-C. GRCh37 (hg19) VCF-style: chr12-133218890-G-C.
Other names: short protein forms H1682Q.
Identifiers: ClinVar variation 1047364 (VCV001047364.6), dbSNP rs769284070, ClinGen allele CA387377176.